The following is an entry in ClinVar:

ClinVar aggregate classification (germline): Uncertain significance (1 of 4 stars; one submission).

Conditions:
Inborn genetic diseases. Identifiers: MedGen C0950123, MeSH D030342.

gnomAD v4.1: 2 of 1,587,082 alleles (0.00013%); highest among the groups gnomAD compares: Non-Finnish European, 0.00017%; no homozygotes.

Submission:

Ambry Genetics
Classification: Uncertain significance for Inborn genetic diseases. Last evaluated: 2025-11-11. Review status: criteria provided, single submitter. Criteria: Ambry Variant Classification Scheme 2023. Collection method: clinical testing. Allele origin: germline.
Comment: The c.5956G>T (p.V1986F) alteration is located in exon 38 (coding exon 38) of the PKD1L1 gene. This alteration results from a G to T substitution at nucleotide position 5956, causing the valine (V) at amino acid position 1986 to be replaced by a phenylalanine (F). Based on data from gnomAD, the T allele has an overall frequency of <0.001% (0/220732) total alleles studied. The highest observed frequency was <0.001% (/) of alleles. Based on insufficient or conflicting evidence, the clinical significance of this alteration remains unclear.

NM_138295.5(PKD1L1):c.5956G>T (p.Val1986Phe)

Gene: PKD1L1 (polycystin 1 like 1, transient receptor potential channel interacting; minus strand). Cytogenetic location: 7p12.3.
Variant type: single nucleotide variant.
Coding change: c.5956G>T on transcript NM_138295.5 (MANE Select); coding-DNA position 5956, G replaced by T.
Protein change: p.Val1986Phe; replaces valine 1986 with phenylalanine.
Molecular consequence: missense variant.
Genome position (GRCh38, 1-based): chr7:47,835,231, C>A on the plus strand (G>T on the coding strand, the complement: PKD1L1 is on the minus strand). VCF-style: chr7-47835231-C-A. GRCh37 (hg19) VCF-style: chr7-47874829-C-A.
Other names: short protein forms V1986F.
Identifiers: ClinVar variation 4627800 (VCV004627800.1).